The following is an entry in ClinVar:

ClinVar aggregate classification (germline): Uncertain significance (1 of 4 stars; one submission).

Conditions:
Gastrointestinal stromal tumor. Also called: Gastrointestinal stroma tumor; Gastrointestinal stromal tumor, somatic. Identifiers: Orphanet 44890, MedGen C0238198, MeSH D046152, MONDO:0011719, OMIM 606764, HP:0100723.

Submission:

Labcorp Genetics (formerly Invitae), Labcorp
Classification: Uncertain significance for Gastrointestinal stromal tumor. Last evaluated: 2025-03-11. Review status: criteria provided, single submitter. Criteria: Invitae Variant Classification Sherloc (09022015). Collection method: clinical testing. Allele origin: germline.
Comment: This sequence change replaces glycine, which is neutral and non-polar, with glutamic acid, which is acidic and polar, at codon 311 of the KIT protein (p.Gly311Glu). This variant is not present in population databases (gnomAD no frequency). This variant has not been reported in the literature in individuals affected with KIT-related conditions. An algorithm developed to predict the effect of missense changes on protein structure and function (PolyPhen-2) suggests that this variant is likely to be disruptive. In summary, the available evidence is currently insufficient to determine the role of this variant in disease. Therefore, it has been classified as a Variant of Uncertain Significance.

NM_000222.3(KIT):c.932G>A (p.Gly311Glu)

Gene: KIT (KIT proto-oncogene, receptor tyrosine kinase; plus strand). Cytogenetic location: 4q12.
Variant type: single nucleotide variant.
Coding change: c.932G>A on transcript NM_000222.3 (MANE Select); coding-DNA position 932, G replaced by A.
Protein change: p.Gly311Glu; replaces glycine 311 with glutamic acid.
Molecular consequence: missense variant.
Genome position (GRCh38, 1-based): chr4:54,707,104, G>A. VCF-style: chr4-54707104-G-A. GRCh37 (hg19) VCF-style: chr4-55573270-G-A.
Other names: c.932G>A, p.Gly311Glu (NM_001093772.2, NM_001385285.1, NM_001385286.1); c.935G>A, p.Gly312Glu (NM_001385284.1, NM_001385288.1, NM_001385290.1 and 1 more transcripts); short protein forms G311E, G312E.
Identifiers: ClinVar variation 4781572 (VCV004781572.1).